The following is an entry in ClinVar:

ClinVar aggregate classification (germline): Conflicting classifications of pathogenicity. Review status: criteria provided, conflicting classifications (1 of 4 stars). 13 submissions from 13 submitters: Likely pathogenic (2); Uncertain significance (7); Likely benign (1). 3 of the submissions do not count toward it. Last evaluated 2026-07-23.

Conditions:
PHYH-related disorder. Also called: PHYH-related condition.
Phytanoyl-CoA hydroxylase deficiency. Identifiers: MedGen CN305474, MONDO:0100258.
Retinal dystrophy. Also called: Inherited retinal dystrophy. Identifiers: Orphanet 71862, MedGen C0854723, MeSH D058499, MONDO:0019118, HP:0000556.
Refsum disease, classic. Also called: HEREDOPATHIA ATACTICA POLYNEURITIFORMIS; HMSN IV; PHYTANIC ACID OXIDASE DEFICIENCY; PHYH-Related Refsum Disease. Identifiers: Orphanet 773, MedGen C5780941, MONDO:1060256, OMIM 266500. Disease mechanism: loss of function.
Retinitis pigmentosa (RP). Identifiers: Orphanet 791, MedGen C0035334, MeSH D012174, MONDO:0019200, OMIM 268000. Inheritance: Autosomal dominant, autosomal recessive and X linked inheritance.
Retinal disorder. Also called: Retinal disorders; Retinopathy; Retinopathies; Retinal Diseases. Identifiers: MedGen C0035309, MONDO:0005283, HP:0000488.

Allele frequency attached by ClinVar (database versions not stated): ESP Exome Variant Server 0.00031; gnomAD 0.00049 and 0.00062; TOPMed 0.00051; 1000 Genomes Project 30x 0.00094; 1000 Genomes Project 0.00120; gnomAD exomes 0.00122; ExAC 0.00135.
gnomAD v4.1: 1,576 of 1,613,450 alleles (0.098%); highest among the groups gnomAD compares: South Asian, 0.45%; 5 homozygotes.

Submissions (20):

Genetics Laboratory, Great Ormond Street Hospital NHS Foundation Trust, North Thames Genomic Laboratory Hub
Classification: Likely pathogenic for Retinal disorders. Last evaluated: 2026-07-23. Review status: criteria provided, single submitter. Criteria: ACGS Best Practice Guidelines for Variant Classification in Rare Disease 2024 v1.2. Collection method: clinical testing. Allele origin: germline. Affected: yes.
Comment: PVS1_moderate, PM3_strong

GeneDx
Classification: Likely pathogenic. Last evaluated: 2026-02-25. Review status: criteria provided, single submitter. Criteria: GeneDx Variant Classification Process June 2021. Collection method: clinical testing. Allele origin: germline.
Comment: RNA studies demonstrate this variant results in skipping of exons 5-6 (PMID: 38411969); This variant is associated with the following publications: (PMID: 20818383, 34426522, 14974078, 28041643, 38219857, 32581362, 38411969)

Labcorp Genetics (formerly Invitae), Labcorp
Classification: Likely benign. Last evaluated: 2026-01-20. Review status: criteria provided, single submitter. Criteria: Invitae Variant Classification Sherloc (09022015). Collection method: clinical testing. Allele origin: germline.

Women's Health and Genetics/Laboratory Corporation of America, LabCorp
Classification: Uncertain significance. Last evaluated: 2025-11-11. Review status: criteria provided, single submitter. Criteria: LabCorp Variant Classification Summary - May 2015. Collection method: clinical testing. Allele origin: germline.
Comment: Variant summary: PHYH c.678+5G>T alters a nucleotide located close to a canonical splice site and therefore could affect mRNA splicing, leading to a significantly altered protein sequence. Several computational tools predict a significant impact on normal splicing: Four predict the variant weakens a 5' donor site. However, these predictions have yet to be confirmed by functional studies. The variant allele was found at a frequency of 0.0012 in 251112 control chromosomes in the gnomAD database, including 2 homozygotes. This frequency is not significantly higher than estimated for disease-causing variants in PHYH, allowing no conclusion about variant significance. c.678+5G>T has been observed in individual(s) affected with PHYH related disorders. These report(s) do not provide unequivocal conclusions about association of the variant with Phytanic Acid Storage Disease. One publication reports experimental evidence evaluating an impact on protein function, however, does not allow convincing conclusions about the variant effect. The following publications have been ascertained in the context of this evaluation (PMID: 14974078, 38219857). ClinVar contains an entry for this variant (Variation ID: 198192). Based on the evidence outlined above, the variant was classified as uncertain significance.

Mayo Clinic Laboratories, Mayo Clinic
Classification: Uncertain significance. Last evaluated: 2025-10-28. Review status: criteria provided, single submitter. Criteria: ACMG Guidelines, 2015. Collection method: clinical testing. Allele origin: germline. Observed: 8 variant alleles.
Comment: BS1, PM3_strong, PS3

Blueprint Genetics
Classification: Uncertain significance. Last evaluated: 2024-11-19. Review status: criteria provided, single submitter. Criteria: ACMG Guidelines, 2015. Collection method: clinical testing. Allele origin: germline.

Institute of Human Genetics, Univ. Regensburg, Univ. Regensburg
Classification: Uncertain significance for Retinal dystrophy. Last evaluated: 2022-01-01. Review status: criteria provided, single submitter. Criteria: ACMG Guidelines, 2015. Collection method: clinical testing. Allele origin: germline. Affected: yes.

Department of Pathology and Laboratory Medicine, Sinai Health System
Classification: Uncertain significance for phytanoyl-CoA hydroxylase deficiency. Last evaluated: 2021-12-10. Review status: criteria provided, single submitter. Criteria: ACMG Guidelines, 2015. Collection method: research. Allele origin: germline.

Illumina Laboratory Services, Illumina
Classification: Uncertain significance for Refsum disease, classic. Last evaluated: 2017-04-27. Review status: criteria provided, single submitter. Criteria: ICSL Variant Classification Criteria 13 December 2019. Collection method: clinical testing. Allele origin: germline.
Comment: This variant was observed as part of a predisposition screen in an ostensibly healthy population. A literature search was performed for the gene, cDNA change, and amino acid change (where applicable). Publications were found based on this search. However, the evidence from the literature, in combination with allele frequency data from public databases where available, was not sufficient to rule this variant in or out of causing disease. Therefore, this variant is classified as a variant of unknown significance.

Eurofins Ntd Llc (ga)
Classification: Uncertain significance. Last evaluated: 2015-04-01. Review status: criteria provided, single submitter. Criteria: EGL Classification Definitions 2015. Collection method: clinical testing. Allele origin: germline. Observed: 1 variant allele, 1 heterozygote.

PreventionGenetics, part of Exact Sciences
Classification: Likely benign for PHYH-related condition. Last evaluated: 2020-12-21. Review status: no assertion criteria provided. Collection method: clinical testing. Allele origin: germline. Not counted in ClinVar's aggregate classification.
Comment: This variant is classified as likely benign based on ACMG/AMP sequence variant interpretation guidelines (Richards et al. 2015 PMID: 25741868, with internal and published modifications).

Counsyl
Classification: Uncertain significance for Refsum disease, classic. Last evaluated: 2018-04-04. Review status: no assertion criteria provided. Collection method: clinical testing. Allele origin: unknown. Not counted in ClinVar's aggregate classification.

NIHR Bioresource Rare Diseases, University of Cambridge
Classification: Likely pathogenic for Retinitis pigmentosa. Last evaluated: 2015-01-01. Review status: no assertion criteria provided. Collection method: research. Allele origin: unknown. Affected: yes. Observed: 1 variant allele. Not counted in ClinVar's aggregate classification.

Dr. Peter K. Rogan Lab, Western University
No classification provided (evidence only). Condition: Familial cancer of breast. Review status: no classification provided. Collection method: in vitro. Allele origin: not applicable. Functional consequence: skipped exon, retained intron. Not counted in ClinVar's aggregate classification.

Dr. Peter K. Rogan Lab, Western University
No classification provided (evidence only). Condition: Acute myeloid leukemia. Review status: no classification provided. Collection method: in vitro. Allele origin: not applicable. Functional consequence: retained intron. Not counted in ClinVar's aggregate classification.

Dr. Peter K. Rogan Lab, Western University
No classification provided (evidence only). Condition: Colon adenocarcinoma. Review status: no classification provided. Collection method: in vitro. Allele origin: not applicable. Functional consequence: retained intron. Not counted in ClinVar's aggregate classification.

Dr. Peter K. Rogan Lab, Western University
No classification provided (evidence only). Condition: Sarcoma. Review status: no classification provided. Collection method: in vitro. Allele origin: not applicable. Functional consequence: skipped exon. Not counted in ClinVar's aggregate classification.

Dr. Peter K. Rogan Lab, Western University
No classification provided (evidence only). Condition: Nonpapillary renal cell carcinoma. Review status: no classification provided. Collection method: in vitro. Allele origin: not applicable. Functional consequence: retained intron. Not counted in ClinVar's aggregate classification.

Dr. Peter K. Rogan Lab, Western University
No classification provided (evidence only). Condition: Thymoma. Review status: no classification provided. Collection method: in vitro. Allele origin: not applicable. Functional consequence: retained intron. Not counted in ClinVar's aggregate classification.

Dr. Peter K. Rogan Lab, Western University
No classification provided (evidence only). Condition: Malignant tumor of esophagus. Review status: no classification provided. Collection method: in vitro. Allele origin: not applicable. Functional consequence: skipped exon, retained intron. Not counted in ClinVar's aggregate classification.

Literature cited by the submitters: PubMed 14974078 (cited by 6 submitters); PubMed 38219857 (cited by Women's Health and Genetics/Laboratory Corporation of America, LabCorp and Mayo Clinic Laboratories, Mayo Clinic); PubMed 20818383 (cited by 4 submitters); PubMed 28041643 (cited by 4 submitters); PubMed 32581362 (cited by Mayo Clinic Laboratories, Mayo Clinic and Institute of Human Genetics, Univ. Regensburg, Univ. Regensburg); PubMed 34426522 (cited by Mayo Clinic Laboratories, Mayo Clinic and Institute of Human Genetics, Univ. Regensburg, Univ. Regensburg); PubMed 38411969 (cited by Mayo Clinic Laboratories, Mayo Clinic).

NM_006214.4(PHYH):c.678+5G>T

Gene: PHYH (phytanoyl-CoA 2-hydroxylase; minus strand). Cytogenetic location: 10p13.
Variant type: single nucleotide variant.
Coding change: c.678+5G>T on transcript NM_006214.4 (MANE Select); 5 bases into the intron after coding-DNA position 678, G replaced by T.
Molecular consequence: intron variant.
Genome position (GRCh38, 1-based): chr10:13,288,355, C>A on the plus strand (G>T on the coding strand, the complement: PHYH is on the minus strand). VCF-style: chr10-13288355-C-A. GRCh37 (hg19) VCF-style: chr10-13330355-C-A.
Other names: c.415-4516G>T (NM_001323083.2); c.684+5G>T (NM_001323082.2); c.378+5G>T (NM_001037537.2, NM_001323080.2); c.384+5G>T (NM_001323084.2).
Identifiers: ClinVar variation 198192 (VCV000198192.35), dbSNP rs201499815, ClinGen allele CA246715.